The following continues an entry in ClinVar:

NM_023110.3(FGFR1):c.1966A>G (p.Lys656Glu)

Gene: FGFR1. ClinVar aggregate classification (germline): Pathogenic. Pathogenic (1). ClinVar aggregate classification (somatic clinical impact): Tier I - Strong. ClinVar aggregate classification (oncogenicity): Oncogenic.

Submissions 10 to 13 of 13:

Yale Center for Mendelian Genomics, Yale University
Classification: Uncertain significance for Pilomyxoid astrocytoma. Last evaluated: 2021-01-14. Review status: no assertion criteria provided. Collection method: literature only. Allele origin: somatic. Affected: yes. Observed: 1 heterozygote. Study: Yale Center for Mendelian Genomics. Not counted in ClinVar's aggregate classification.

University of Washington Center for Mendelian Genomics, University of Washington
Classification: Likely pathogenic for Encephalocraniocutaneous lipomatosis. Last evaluated: 2017-05-25. Review status: no assertion criteria provided. Collection method: research. Allele origin: unknown. Affected: yes. Observed: 2 mosaic individuals. Not counted in ClinVar's aggregate classification.

OMIM
Classification: Pathogenic for ENCEPHALOCRANIOCUTANEOUS LIPOMATOSIS. Last evaluated: 2016-08-11. Review status: no assertion criteria provided. Collection method: literature only. Allele origin: unknown. Not counted in ClinVar's aggregate classification.

GeneReviews
No classification provided. Condition: Encephalocraniocutaneous lipomatosis. Review status: no classification provided. Collection method: literature only. Allele origin: somatic. Not counted in ClinVar's aggregate classification.

Literature cited by the submitters: PubMed 23817572 (cited by Center for Genomic Medicine, Rigshospitalet, Copenhagen University Hospital and Institute for Genomic Medicine (IGM) Clinical Laboratory, Nationwide Children's Hospital); PubMed 34272467 (cited by Center for Genomic Medicine, Rigshospitalet, Copenhagen University Hospital); PubMed 10918587 (cited by Institute for Genomic Medicine (IGM) Clinical Laboratory, Nationwide Children's Hospital); PubMed 28966033 (cited by Institute for Genomic Medicine (IGM) Clinical Laboratory, Nationwide Children's Hospital); PubMed 31348837 (cited by Institute for Genomic Medicine (IGM) Clinical Laboratory, Nationwide Children's Hospital); PubMed 24880341 (cited by Institute for Genomic Medicine (IGM) Clinical Laboratory, Nationwide Children's Hospital); PubMed 37524847 (cited by Institute for Genomic Medicine (IGM) Clinical Laboratory, Nationwide Children's Hospital); PubMed 28912153 (cited by Institute for Genomic Medicine (IGM) Clinical Laboratory, Nationwide Children's Hospital); PubMed 24705250 (cited by Institute for Genomic Medicine (IGM) Clinical Laboratory, Nationwide Children's Hospital); PubMed 26810070 (cited by Institute for Genomic Medicine (IGM) Clinical Laboratory, Nationwide Children's Hospital); PubMed 26920151 (cited by Institute for Genomic Medicine (IGM) Clinical Laboratory, Nationwide Children's Hospital); PubMed 30825062 (cited by Institute for Genomic Medicine (IGM) Clinical Laboratory, Nationwide Children's Hospital); PubMed 35836307 (cited by Institute for Genomic Medicine (IGM) Clinical Laboratory, Nationwide Children's Hospital); PubMed 29564591 (cited by Institute for Genomic Medicine (IGM) Clinical Laboratory, Nationwide Children's Hospital); PubMed 36271929 (cited by Institute for Genomic Medicine (IGM) Clinical Laboratory, Nationwide Children's Hospital); PubMed 31677015 (cited by Institute for Genomic Medicine (IGM) Clinical Laboratory, Nationwide Children's Hospital); PubMed 36418240 (cited by Institute for Genomic Medicine (IGM) Clinical Laboratory, Nationwide Children's Hospital); PubMed 26942290 (cited by 4 submitters); PubMed 34185076 (cited by Institute for Genomic Medicine (IGM) Clinical Laboratory, Nationwide Children's Hospital); PubMed 31250151 (cited by Institute for Genomic Medicine (IGM) Clinical Laboratory, Nationwide Children's Hospital); PubMed 32859279 (cited by Institute for Genomic Medicine (IGM) Clinical Laboratory, Nationwide Children's Hospital); PubMed 32289278 (cited by Institute for Genomic Medicine (IGM) Clinical Laboratory, Nationwide Children's Hospital); PubMed 29880043 (cited by Institute for Genomic Medicine (IGM) Clinical Laboratory, Nationwide Children's Hospital); PubMed 23583981 (cited by Institute for Genomic Medicine (IGM) Clinical Laboratory, Nationwide Children's Hospital); PubMed 27577993 (cited by Institute for Genomic Medicine (IGM) Clinical Laboratory, Nationwide Children's Hospital); PubMed 27701736 (cited by Institute for Genomic Medicine (IGM) Clinical Laboratory, Nationwide Children's Hospital); PubMed 32059187 (cited by Institute for Genomic Medicine (IGM) Clinical Laboratory, Nationwide Children's Hospital); PubMed 33352931 (cited by Institute for Genomic Medicine (IGM) Clinical Laboratory, Nationwide Children's Hospital); PubMed 35018490 (cited by Institute for Genomic Medicine (IGM) Clinical Laboratory, Nationwide Children's Hospital); PubMed 33448156 (cited by Yale Center for Mendelian Genomics, Yale University); PubMed 25705862 (cited by OMIM); NCBI Bookshelf NBK576966 (cited by GeneReviews).